The following is an entry in ClinVar:

ClinVar aggregate classification (germline): Uncertain significance (1 of 4 stars; one submission).

Conditions:
Familial cold autoinflammatory syndrome 2 (FCAS2). Identifiers: Orphanet 247868, MedGen C2673198, MONDO:0012724, OMIM 611762.

Submission:

Labcorp Genetics (formerly Invitae), Labcorp
Classification: Uncertain significance for Familial cold autoinflammatory syndrome 2. Last evaluated: 2024-07-17. Review status: criteria provided, single submitter. Criteria: Invitae Variant Classification Sherloc (09022015). Collection method: clinical testing. Allele origin: germline.
Comment: This sequence change replaces aspartic acid, which is acidic and polar, with glycine, which is neutral and non-polar, at codon 978 of the NLRP12 protein (p.Asp978Gly). This variant is present in population databases (rs761875593, gnomAD 0.004%). This variant has not been reported in the literature in individuals affected with NLRP12-related conditions. Experimental studies and prediction algorithms are not available or were not evaluated, and the functional significance of this variant is currently unknown. In summary, the available evidence is currently insufficient to determine the role of this variant in disease. Therefore, it has been classified as a Variant of Uncertain Significance.

NM_144687.4(NLRP12):c.2933A>G (p.Asp978Gly)

Gene: NLRP12 (NLR family pyrin domain containing 12; minus strand). Cytogenetic location: 19q13.42.
Variant type: single nucleotide variant.
Coding change: c.2933A>G on transcript NM_144687.4 (MANE Select); coding-DNA position 2933, A replaced by G.
Protein change: p.Asp978Gly; replaces aspartic acid 978 with glycine.
Molecular consequence: missense variant.
Genome position (GRCh38, 1-based): chr19:53,796,024, T>C on the plus strand (A>G on the coding strand, the complement: NLRP12 is on the minus strand). VCF-style: chr19-53796024-T-C. GRCh37 (hg19) VCF-style: chr19-54299278-T-C.
Other names: c.2936A>G, p.Asp979Gly (NM_001277126.2); c.2762A>G, p.Asp921Gly (NM_001277129.1); short protein forms D921G, D978G, D979G.
Identifiers: ClinVar variation 3625687 (VCV003625687.2).
Genomic context (GRCh38, chr19:53,796,024, plus strand): 5'-TGGTTGATCCCCAGGGTGAAGTAAAGATTCTCACAAGCCTTGGCTGTGAGGCCACAGCTA[T>C]CCAGCCTGGTGAAGATAAGGAGTTGGTTAAGGTAACACCAGGGGCTACTTATGTTATTCG-3'
Protein context (NP_653288.1, residues 968-988): PACRLQKLWL[Asp978Gly]SCGLTAKACE